The following is an entry in ClinVar:

ClinVar aggregate classification (germline): Pathogenic (1 of 4 stars; one submission).

Conditions:
Familial cancer of breast. Also called: BREAST CANCER, FAMILIAL; hereditary breast carcinoma; Hereditary breast cancer. Identifiers: Orphanet 227535, MedGen C0346153, MONDO:0016419, OMIM 114480. Disease mechanism: loss of function.

Submission:

Labcorp Genetics (formerly Invitae), Labcorp
Classification: Pathogenic for Familial cancer of breast. Last evaluated: 2017-04-13. Review status: criteria provided, single submitter. Criteria: Invitae Variant Classification Sherloc (09022015). Collection method: clinical testing. Allele origin: germline.
Comment: This variant is a gross deletion of the genomic region encompassing exons 1 and 2 of the BARD1 gene, which includes the initiator codon. The 5' end of this event is unknown as it extends beyond the assayed region for this gene and therefore may encompass additional genes. The 3' boundary is likely confined to intron 2 of the BARD1 gene. This is expected to result in an absent or disrupted protein product. While this particular deletion has not been reported in the literature, loss-of-function variants in BARD1 are known to be pathogenic (PMID: 21344236, 22006311, 20077502). For these reasons, this variant has been classified as Pathogenic.

NC_000002.12:g.(?_214797055)_(214809575_?)del

Genes: BARD1 (BRCA1 associated RING domain 1; minus strand), LOC129935543 (ATAC-STARR-seq lymphoblastoid active region 17073; plus strand), LOC129935542 (ATAC-STARR-seq lymphoblastoid active region 17072; plus strand). Cytogenetic location: 2q35.
Variant type: Deletion.
Identifiers: ClinVar variation 460647 (VCV000460647.2).